The following is an entry in ClinVar:

NM_001100.4(ACTA1):c.236C>T (p.Thr79Ile)

Gene: ACTA1 (actin alpha 1, skeletal muscle; minus strand). Cytogenetic location: 1q42.13.
Variant type: single nucleotide variant.
Coding change: c.236C>T on transcript NM_001100.4 (MANE Select); coding-DNA position 236, C replaced by T.
Protein change: p.Thr79Ile; replaces threonine 79 with isoleucine.
Molecular consequence: missense variant.
Genome position (GRCh38, 1-based): chr1:229,432,774, G>A on the plus strand (C>T on the coding strand, the complement: ACTA1 is on the minus strand). VCF-style: chr1-229432774-G-A. GRCh37 (hg19) VCF-style: chr1-229568521-G-A.
Other names: NM_001100.4(ACTA1):c.236C>T; p.Thr79Ile; short protein forms T79I.
Identifiers: ClinVar variation 941283 (VCV000941283.10), dbSNP rs1659978452, ClinGen allele CA345150456.
Genomic context (GRCh38, chr1:229,432,774, plus strand): 5'-GCCACGCGAAGCTCGTTGTAGAAGGTGTGGTGCCAGATCTTCTCCATGTCATCCCAGTTG[G>A]TGATGATGCCGTGCTCGATAGGGTACTTCAGGGTCAGGATACCTCTCTTGCTCTGAGCCT-3'
Protein context (NP_001091.1, residues 69-89): LKYPIEHGII[Thr79Ile]NWDDMEKIWH

ClinVar aggregate classification (germline): Pathogenic/Likely pathogenic. Review status: criteria provided, multiple submitters, no conflicts (2 of 4 stars). 2 submissions from 2 submitters: Pathogenic (1); Likely pathogenic (1). Last evaluated 2023-01-25.

Conditions:
Actin accumulation myopathy (CMYO2A). Also called: Myopathy, actin, congenital, with cores; Nemaline myopathy 3, with intranuclear rods; CONGENITAL MYOPATHY 2A, TYPICAL, AUTOSOMAL DOMINANT; Nemaline myopathy type 3; Myopathy, actin, congenital, with excess of thin myofilaments. Identifiers: Orphanet 98904, MedGen C3711389, MONDO:0008070, OMIM 161800.

Submissions (2):

Broad Center for Mendelian Genomics, Broad Institute of MIT and Harvard
Classification: Likely pathogenic for Actin accumulation myopathy. Last evaluated: 2023-01-25. Review status: criteria provided, single submitter. Criteria: ACMG Guidelines, 2015. Collection method: curation. Allele origin: germline. Inheritance: Autosomal dominant inheritance.
Comment: Trio exome analysis showed this variant to be de novo. The p.Thr79Ile variant in ACTA1 has not been previously reported in the literature in individuals with nemaline myopathy 3. One additional likely pathogenic variant, resulting in a different amino acid change at the same position, p.Thr79Ala, has been reported in association with disease in the literature, slightly supporting that a change at this position may not be tolerated (PMID: 31218456, PMID: 15236405, PMID: 12921789). This variant has been reported in ClinVar and has been interpreted as pathogenic by Invitae (Variation ID: 941283). This variant was absent from large population studies. The number of missense variants reported in ACTA1 in the general population is lower than expected, suggesting there is little benign variation in this gene and slightly increasing the possibility that a missense variant in this gene may not be tolerated. Computational prediction tools and conservation analyses suggest that this variant may impact the protein, though this information is not predictive enough to determine pathogenicity. In summary, although additional studies are required to fully establish its clinical significance, this variant is likely pathogenic for autosomal dominant nemaline myopathy 3. ACMG/AMP Criteria applied: PS2_Moderate, PM2_Supporting, PM5_Supporting, PP2, PP3 (Richards 2015).

Labcorp Genetics (formerly Invitae), Labcorp
Classification: Pathogenic for Actin accumulation myopathy. Last evaluated: 2022-03-09. Review status: criteria provided, single submitter. Criteria: Invitae Variant Classification Sherloc (09022015). Collection method: clinical testing. Allele origin: germline.
Comment: For these reasons, this variant has been classified as Pathogenic. This variant disrupts the p.Thr79 amino acid residue in ACTA1. Other variant(s) that disrupt this residue have been observed in individuals with ACTA1-related conditions (PMID: 12921789), which suggests that this may be a clinically significant amino acid residue. Advanced modeling of protein sequence and biophysical properties (such as structural, functional, and spatial information, amino acid conservation, physicochemical variation, residue mobility, and thermodynamic stability) performed at Invitae indicates that this missense variant is expected to disrupt ACTA1 protein function. ClinVar contains an entry for this variant (Variation ID: 941283). This missense change has been observed in individual(s) with clinical features of nemaline myopathy (Invitae). In at least one individual the variant was observed to be de novo. This variant is not present in population databases (gnomAD no frequency). This sequence change replaces threonine, which is neutral and polar, with isoleucine, which is neutral and non-polar, at codon 79 of the ACTA1 protein (p.Thr79Ile).

Literature cited by the submitters: PubMed 12921789 (cited by Labcorp Genetics (formerly Invitae), Labcorp).